The following is an entry in ClinVar:

ClinVar aggregate classification (germline): Uncertain significance (1 of 4 stars; one submission).

Conditions:
Primary ciliary dyskinesia 6. Also called: Primary Ciliary Dyskinesia 6: TXNDC3-Related Primary Ciliary Dyskinesia. Identifiers: Orphanet 244, MedGen C1970506, MONDO:0012571, OMIM 610852.

Submission:

Labcorp Genetics (formerly Invitae), Labcorp
Classification: Uncertain significance for Primary ciliary dyskinesia 6. Last evaluated: 2024-06-05. Review status: criteria provided, single submitter. Criteria: Invitae Variant Classification Sherloc (09022015). Collection method: clinical testing. Allele origin: germline.
Comment: This sequence change falls in intron 13 of the NME8 gene. It does not directly change the encoded amino acid sequence of the NME8 protein. This variant is not present in population databases (gnomAD no frequency). This variant has not been reported in the literature in individuals affected with NME8-related conditions. Experimental studies and prediction algorithms are not available or were not evaluated, and the effect of this variant on mRNA splicing is currently unknown. In summary, the available evidence is currently insufficient to determine the role of this variant in disease. Therefore, it has been classified as a Variant of Uncertain Significance.

NM_016616.5(NME8):c.1140-5_1140-4insTTTTTTTTTTTTTTTTTTTTNNNNNNNNNNCCTTGCCCACGCCTATGTCCTGAATGGTAATGCCTAGGTTTTCTTCTAGGGTTTTTATGGTTTTAGGTTGTTTTCTTTTCTA

Gene: NME8 (NME/NM23 family member 8; plus strand). Cytogenetic location: 7p14.1.
Variant type: Insertion.
Coding change: c.1140-5_1140-4insTTTTTTTTTTTTTTTTTTTTNNNNNNNNNNCCTTGCCCACGCCTATGTCCTGAATGGTAATGCCTAGGTTTTCTTCTAGGGTTTTTATGGTTTTAGGTTGTTTTCTTTTCTA on transcript NM_016616.5 (MANE Select); 5 bases into the intron before coding-DNA position 1140 through 4 bases into the intron before coding-DNA position 1140, TTTTTTTTTTTTTTTTTTTTNNNNNNNNNNCCTTGCCCACGCCTATGTCCTGAATGGTAATGCCTAGGTTTTCTTCTAGGGTTTTTATGGTTTTAGGTTGTTTTCTTTTCTA inserted.
Molecular consequence: intron variant.
Genome position: GRCh38: chr7:37,885,140-37,885,141. GRCh37 (hg19): chr7:37,924,742-37,924,743.
Identifiers: ClinVar variation 3655744 (VCV003655744.2).